The following is an entry in ClinVar:

NM_000038.6(APC):c.6625A>G (p.Ile2209Val)

Gene: APC (APC regulator of Wnt signaling pathway; plus strand). Cytogenetic location: 5q22.2.
Variant type: single nucleotide variant.
Coding change: c.6625A>G on transcript NM_000038.6 (MANE Select); coding-DNA position 6625, A replaced by G.
Protein change: p.Ile2209Val; replaces isoleucine 2209 with valine.
Molecular consequence: missense variant. On other transcripts: non-coding transcript variant (2).
Genome position (GRCh38, 1-based): chr5:112,842,219, A>G. VCF-style: chr5-112842219-A-G. GRCh37 (hg19) VCF-style: chr5-112177916-A-G.
Other names: c.6625A>G, p.Ile2209Val (NM_001127510.3, NM_001354895.2, NM_001407450.1); c.6571A>G, p.Ile2191Val (NM_001127511.3); c.6679A>G, p.Ile2227Val (NM_001354896.2, NM_001407447.1, NM_001407448.1 and 1 more transcripts); c.6655A>G, p.Ile2219Val (NM_001354897.2); c.6550A>G, p.Ile2184Val (NM_001354898.2); c.6352A>G, p.Ile2118Val (NM_001354902.2); c.6502A>G, p.Ile2168Val (NM_001354900.2); c.6322A>G, p.Ile2108Val (NM_001354903.2, NM_001407458.1, NM_001407459.1 and 1 more transcripts); and 11 more; short protein forms I1825V, I1926V, I2049V, I2080V, I2083V, I2108V, I2118V, I2126V.
Identifiers: ClinVar variation 4757858 (VCV004757858.1).
Genomic context (GRCh38, chr5:112,842,219, plus strand): 5'-AAAGGAGGAAAAAAAGTTTATAAAAGTTTGATTACTGGAAAAGTTCGATCTAATTCAGAA[A>G]TTTCAGGCCAAATGAAACAGCCCCTTCAAGCAAACATGCCTTCAATCTCTCGAGGCAGGA-3'
Protein context (NP_000029.2, residues 2199-2219): ITGKVRSNSE[Ile2209Val]SGQMKQPLQA

ClinVar aggregate classification (germline): Uncertain significance (1 of 4 stars; one submission).

Conditions:
Hereditary cancer-predisposing syndrome. Also called: Tumor predisposition; Hereditary Cancer Syndrome; Neoplastic Syndromes, Hereditary; Hereditary neoplastic syndrome. Identifiers: Orphanet 140162, MedGen C0027672, MeSH D009386, MONDO:0015356.

Submission:

Color Diagnostics, LLC DBA Color Health
Classification: Uncertain significance for Hereditary cancer-predisposing syndrome. Last evaluated: 2025-08-14. Review status: criteria provided, single submitter. Criteria: ACMG Guidelines, 2015. Collection method: clinical testing. Allele origin: germline.
Comment: This missense variant replaces isoleucine with valine at codon 2209 of the APC protein. Computational prediction suggests that this variant may not impact protein structure and function. To our knowledge, functional studies have not been reported for this variant. This variant has not been reported in individuals affected with APC-related disorders in the literature. This variant has not been identified in the general population by the Genome Aggregation Database (gnomAD). The available evidence is insufficient to determine the role of this variant in disease conclusively. Therefore, this variant is classified as a Variant of Uncertain Significance.